The following is an entry in ClinVar:

NM_080425.4(GNAS):c.2048C>T (p.Thr683Met)

Gene: GNAS (GNAS complex locus; plus strand). Cytogenetic location: 20q13.32.
Variant type: single nucleotide variant.
Coding change: c.2048C>T on transcript NM_080425.4 (MANE Plus Clinical); coding-DNA position 2048, C replaced by T.
Protein change: p.Thr683Met; replaces threonine 683 with methionine.
Molecular consequence: missense variant. On other transcripts: intron variant (3).
Genome position (GRCh38, 1-based): chr20:58,855,313, C>T. VCF-style: chr20-58855313-C-T. GRCh37 (hg19) VCF-style: chr20-57430368-C-T.
Other names: c.1861C>T, p.Arg621Cys (NM_001077490.3, NM_001309883.1); c.2048C>T, p.Thr683Met (NM_001410913.1); c.*42+14427C>T (NM_016592.5); c.43+14427C>T (NM_001410912.1); c.-39+13438C>T (NM_001309861.2); short protein forms R621C, T683M.
Identifiers: ClinVar variation 3901424 (VCV003901424.1).

ClinVar aggregate classification (germline): Uncertain significance (1 of 4 stars; one submission).

gnomAD v4.1: 1 of 1,575,984 alleles (0.000063%); highest among the groups gnomAD compares: Non-Finnish European, 0.000086%; no homozygotes.

Submission:

GeneDx
Classification: Uncertain significance. Last evaluated: 2024-12-08. Review status: criteria provided, single submitter. Criteria: GeneDx Variant Classification Process June 2021. Collection method: clinical testing. Allele origin: germline. Affected: yes.
Comment: In silico analysis supports that this missense variant has a deleterious effect on protein structure/function; Has not been previously published as pathogenic or benign to our knowledge; Reported using an alternate transcript of the gene